The following is an entry in ClinVar:

NM_030662.4(MAP2K2):c.525C>T (p.Ile175=)

Gene: MAP2K2 (mitogen-activated protein kinase kinase 2; minus strand). Cytogenetic location: 19p13.3.
Variant type: single nucleotide variant.
Coding change: c.525C>T on transcript NM_030662.4 (MANE Select); coding-DNA position 525, C replaced by T.
Protein change: p.Ile175=; no amino-acid change (isoleucine 175 retained).
Molecular consequence: synonymous variant.
Genome position (GRCh38, 1-based): chr19:4,102,379, G>A on the plus strand (C>T on the coding strand, the complement: MAP2K2 is on the minus strand). VCF-style: chr19-4102379-G-A. GRCh37 (hg19) VCF-style: chr19-4102377-G-A.
Other names: p.I175I:ATC>ATT; NM_030662.3(MAP2K2):c.525C>T.
Identifiers: ClinVar variation 46239 (VCV000046239.23), dbSNP rs150833333, ClinGen allele CA137952.
Genomic context (GRCh38, chr19:4,102,379, plus strand): 5'-GGAAGAGGTCCGTGCAGAGTGCGGTGGGGGCGCGATGTGGGTCTGCGGTGGACTCACCGC[G>A]ATGCTGACTTTCCCCAGGATCTCCTCGGGAATCCTCTTGGCCTCTTTCAGCACCTGGTCC-3'
Protein context (NP_109587.1, residues 165-185): IPEEILGKVS[Ile175=]AVLRGLAYLR

ClinVar aggregate classification (germline): Benign. Review status: reviewed by expert panel (3 of 4 stars). 9 submissions from 9 submitters: Benign (1). 8 of the submissions do not count toward it. Last evaluated 2017-05-09.

Conditions:
Noonan syndrome and Noonan-related syndrome. Identifiers: Orphanet 98733, MedGen C5681679, MONDO:0020297.
Cardiovascular phenotype. Identifiers: MedGen CN230736.
RASopathy. Also called: rasopathies; Noonan spectrum disorder. Identifiers: Orphanet 536391, MedGen C5555857, MONDO:0021060.

Allele frequency attached by ClinVar (database versions not stated): ESP Exome Variant Server 0.00008; gnomAD 0.00025 and 0.00029; gnomAD exomes 0.00026; TOPMed 0.00042; ExAC 0.00047.
gnomAD v4.1: 201 of 1,599,240 alleles (0.013%); highest among the groups gnomAD compares: Admixed American, 0.076%; no homozygotes.

Submissions (9):

ClinGen RASopathy Variant Curation Expert Panel
Classification: Benign for Noonan syndrome and Noonan-related syndrome. Last evaluated: 2017-05-09. Review status: reviewed by expert panel. Criteria: ClinGen RASopathy ACMG Specifications v1. Collection method: curation. Allele origin: germline. Inheritance: Autosomal dominant inheritance.
Comment: The filtering allele frequency of the c.525C>T (p.Ile175=) variant in the MAP2K2 gene is 0.255% (11/2418) of Latino chromosomes by the Exome Aggregation Consortium, which is a high enough frequency to be classified as benign based on thresholds defined by the ClinGen RASopathy Expert Panel (BA1; PMID:29493581)

Labcorp Genetics (formerly Invitae), Labcorp
Classification: Likely benign for RASopathy. Last evaluated: 2025-12-16. Review status: criteria provided, single submitter. Criteria: Invitae Variant Classification Sherloc (09022015). Collection method: clinical testing. Allele origin: germline. Not counted in ClinVar's aggregate classification.

Blueprint Genetics
Classification: Likely benign. Last evaluated: 2024-07-04. Review status: criteria provided, single submitter. Criteria: ACMG Guidelines, 2015. Collection method: clinical testing. Allele origin: germline. Not counted in ClinVar's aggregate classification.

Ambry Genetics
Classification: Likely benign for Cardiovascular phenotype. Last evaluated: 2022-04-23. Review status: criteria provided, single submitter. Criteria: Ambry Variant Classification Scheme 2023. Collection method: clinical testing. Allele origin: germline. Not counted in ClinVar's aggregate classification.

Genome Diagnostics Laboratory, The Hospital for Sick Children
Classification: Benign for Noonan syndrome and Noonan-related syndrome. Last evaluated: 2019-06-01. Review status: criteria provided, single submitter. Criteria: ACMG Guidelines, 2015. Collection method: clinical testing. Allele origin: germline. Not counted in ClinVar's aggregate classification.

Women's Health and Genetics/Laboratory Corporation of America, LabCorp
Classification: Benign. Last evaluated: 2018-02-26. Review status: criteria provided, single submitter. Criteria: LabCorp Variant Classification Summary - May 2015. Collection method: clinical testing. Allele origin: germline. Not counted in ClinVar's aggregate classification.
Comment: Variant summary: MAP2K2 c.525C>T alters a non-conserved nucleotide resulting in a synonymous change. 5/5 computational tools predict no significant impact on normal splicing. However, these predictions have yet to be confirmed by functional studies. The variant allele was found at a frequency of 0.00025 in 252824 control chromosomes. The observed variant frequency is approximately 98.092 fold of the estimated maximal expected allele frequency for a pathogenic variant in MAP2K2 causing Noonan Syndrome and Related Conditions phenotype (2.5e-06), strongly suggesting that the variant is benign. To our knowledge, no occurrence of c.525C>T in individuals affected with Noonan Syndrome and Related Conditions and no experimental evidence demonstrating its impact on protein function have been reported. Two clinical diagnostic laboratories have submitted clinical-significance assessments for this variant to ClinVar after 2014 without evidence for independent evaluation. All laboratories classified the variant as benign/likely benign. Based on the evidence outlined above, the variant was classified as benign.

GeneDx
Classification: Benign. Last evaluated: 2012-01-12. Review status: criteria provided, single submitter. Criteria: GeneDx Variant Classification (06012015). Collection method: clinical testing. Allele origin: germline. Affected: yes. Not counted in ClinVar's aggregate classification.
Comment: This variant is considered likely benign or benign based on one or more of the following criteria: it is a conservative change, it occurs at a poorly conserved position in the protein, it is predicted to be benign by multiple in silico algorithms, and/or has population frequency not consistent with disease.

Laboratory for Molecular Medicine, Mass General Brigham Personalized Medicine
Classification: Likely benign. Last evaluated: 2009-05-07. Review status: criteria provided, single submitter. Criteria: LMM Criteria. Collection method: clinical testing. Allele origin: germline. Observed: 1 variant allele. Not counted in ClinVar's aggregate classification.

PreventionGenetics, part of Exact Sciences
Classification: Likely benign. Review status: criteria provided, single submitter. Criteria: ACMG Guidelines, 2015. Collection method: clinical testing. Allele origin: germline. Not counted in ClinVar's aggregate classification.